The following is an entry in ClinVar:

ClinVar aggregate classification (germline): Benign/Likely benign. Review status: criteria provided, multiple submitters, no conflicts (2 of 4 stars). 4 submissions from 4 submitters: Benign (1); Likely benign (2). 1 of the submissions does not count toward it. Last evaluated 2025-03-10.

Conditions:
Cryohydrocytosis. Also called: Hereditary cryohydrocytosis with normal stomatin; CRYOHYDROCYTOSIS DUE TO BAND 3 HEMEL; CRYOHYDROCYTOSIS DUE TO BAND 3 HURSTPIERPOINT; CRYOHYDROCYTOSIS DUE TO BAND 3 BLACKBURN; STOMATOCYTOSIS, COLD-SENSITIVE. Identifiers: Orphanet 398088, MedGen C1861453, MONDO:0008494, OMIM 185020.
Autosomal dominant distal renal tubular acidosis (DRTA1). Also called: RTA, CLASSIC TYPE; RTA, DISTAL TYPE, AUTOSOMAL DOMINANT; RTA, GRADIENT TYPE; RENAL TUBULAR ACIDOSIS, DISTAL, 1; Renal Tubular Acidosis, Type I. Identifiers: Orphanet 93608, MedGen CN280572, MONDO:0008368, OMIM 179800.
Renal tubular acidosis, distal, 4, with hemolytic anemia. Also called: Renal Tubular Acidosis, Distal, with Hemolytic Anemia. Identifiers: Orphanet 93610, MedGen C5436235, MONDO:0012700, OMIM 611590.
Southeast Asian ovalocytosis. Also called: Stomatocytic elliptocytosis, hereditary; Ovalocytosis, Malaysian-Melanesian-Filipino type; HE, STOMATOCYTIC; Elliptocytosis 4. Identifiers: Orphanet 98868, MedGen C1862322, MONDO:0008165, OMIM 166900.
Malaria, susceptibility to. Identifiers: Orphanet 673, MedGen C1970028, MONDO:0021024, OMIM 611162.
BLOOD GROUP--FROESE (FR). Also called: FROESE BLOOD GROUP ANTIGEN. Identifiers: MedGen C1832168, OMIM 601551.
BLOOD GROUP--WRIGHT ANTIGEN (WR). Identifiers: MedGen C1862190, OMIM 112050.
BLOOD GROUP--SWANN SYSTEM (SW). Also called: SWANN BLOOD GROUP. Identifiers: MedGen C1832169, OMIM 601550.
BLOOD GROUP--DIEGO SYSTEM (DI). Identifiers: MedGen C1292286, OMIM 110500.
BLOOD GROUP, WALDNER (WD). Also called: WALDNER BLOOD GROUP ANTIGEN. Identifiers: MedGen C1862191, OMIM 112010.
Hereditary spherocytosis type 4. Also called: SLC4A1-Related Spherocytosis. Identifiers: Orphanet 822, MedGen C2675212, MONDO:0012981, OMIM 612653.
SLC4A1-related disorder. Also called: SLC4A1-related condition; SLC4A1-related disorders.

Allele frequency attached by ClinVar (database versions not stated): gnomAD 0.00042 and 0.00046; gnomAD exomes 0.00013 and 0.00005; TOPMed 0.00052; 1000 Genomes Project 30x 0.00047; ESP Exome Variant Server 0.00046; ExAC 0.00015; 1000 Genomes Project 0.00040.
gnomAD v4.1: 141 of 1,614,178 alleles (0.0087%); highest among the groups gnomAD compares: African/African-American, 0.18%; no homozygotes.

Submissions (4):

Labcorp Genetics (formerly Invitae), Labcorp
Classification: Likely benign. Last evaluated: 2025-03-10. Review status: criteria provided, single submitter. Criteria: Invitae Variant Classification Sherloc (09022015). Collection method: clinical testing. Allele origin: germline.

ARUP Laboratories, Molecular Genetics and Genomics, ARUP Laboratories
Classification: Benign. Last evaluated: 2024-03-19. Review status: criteria provided, single submitter. Criteria: ARUP Molecular Germline Variant Investigation Process 2024. Collection method: clinical testing. Allele origin: germline.

Fulgent Genetics
Classification: Likely benign for BLOOD GROUP--DIEGO SYSTEM; BLOOD GROUP, WALDNER; BLOOD GROUP--WRIGHT ANTIGEN; Southeast Asian ovalocytosis; Autosomal dominant distal renal tubular acidosis; Cryohydrocytosis; BLOOD GROUP--SWANN SYSTEM; BLOOD GROUP--FROESE; Malaria, susceptibility to; Renal tubular acidosis, distal, 4, with hemolytic anemia; Hereditary spherocytosis type 4. Last evaluated: 2021-07-26. Review status: criteria provided, single submitter. Criteria: ACMG Guidelines, 2015. Collection method: clinical testing. Allele origin: unknown.

PreventionGenetics, part of Exact Sciences
Classification: Likely benign for SLC4A1-related condition. Last evaluated: 2019-03-28. Review status: no assertion criteria provided. Collection method: clinical testing. Allele origin: germline. Not counted in ClinVar's aggregate classification.
Comment: This variant is classified as likely benign based on ACMG/AMP sequence variant interpretation guidelines (Richards et al. 2015 PMID: 25741868, with internal and published modifications).

NM_000342.4(SLC4A1):c.297C>T (p.Leu99=)

Gene: SLC4A1 (solute carrier family 4 member 1 (Diego blood group); minus strand). Cytogenetic location: 17q21.31.
Variant type: single nucleotide variant.
Coding change: c.297C>T on transcript NM_000342.4 (MANE Select); coding-DNA position 297, C replaced by T.
Protein change: p.Leu99=; no amino-acid change (leucine 99 retained).
Molecular consequence: synonymous variant.
Genome position (GRCh38, 1-based): chr17:44,260,687, G>A on the plus strand (C>T on the coding strand, the complement: SLC4A1 is on the minus strand). VCF-style: chr17-44260687-G-A. GRCh37 (hg19) VCF-style: chr17-42338055-G-A.
Identifiers: ClinVar variation 739001 (VCV000739001.13), dbSNP rs146541331, ClinGen allele CA8600647.